The following is an entry in ClinVar:

ClinVar aggregate classification (germline): Benign (1 of 4 stars; one submission).

Conditions:
Exudative vitreoretinopathy 5 (EVR5). Identifiers: Orphanet 891, MedGen C2750079, MONDO:0013218, OMIM 613310.

Allele frequency attached by ClinVar (database versions not stated): gnomAD 0.00001 and 0.00008; TOPMed 0.00001; 1000 Genomes Project 30x 0.00141; 1000 Genomes Project 0.00180.

Submission:

Illumina Laboratory Services, Illumina
Classification: Benign for Exudative vitreoretinopathy 5. Last evaluated: 2018-01-12. Review status: criteria provided, single submitter. Criteria: ICSL Variant Classification Criteria 13 December 2019. Collection method: clinical testing. Allele origin: germline.
Comment: This variant was observed in the ICSL laboratory as part of a predisposition screen in an ostensibly healthy population. It had not been previously curated by ICSL or reported in the Human Gene Mutation Database (HGMD: prior to June 1st, 2018), and was therefore a candidate for classification through an automated scoring system. Utilizing variant allele frequency, disease prevalence and penetrance estimates, and inheritance mode, an automated score was calculated to assess if this variant is too frequent to cause the disease. Based on the score and internal cut-off values, a variant classified as benign is not then subjected to further curation. The score for this variant resulted in a classification of benign for this disease.

NM_012338.4(TSPAN12):c.-127G>T

Gene: TSPAN12 (tetraspanin 12; minus strand). Cytogenetic location: 7q31.31.
Variant type: single nucleotide variant.
Coding change: c.-127G>T on transcript NM_012338.4 (MANE Select); 127 bases upstream of the start codon, G replaced by T.
Molecular consequence: 5 prime UTR variant.
Genome position (GRCh38, 1-based): chr7:120,857,876, C>A on the plus strand (G>T on the coding strand, the complement: TSPAN12 is on the minus strand). VCF-style: chr7-120857876-C-A. GRCh37 (hg19) VCF-style: chr7-120497930-C-A.
Identifiers: ClinVar variation 908527 (VCV000908527.4), dbSNP rs541379054, ClinGen allele CA165841802.
Genomic context (GRCh38, chr7:120,857,876, plus strand): 5'-TTACCGTCGGCGCTGGGCCCGGTGCCCCACGCCCGCCTGGGGATAGTCGGGGACGCACGG[C>A]GGGGGCTCATCGGGGCAGGGAACTTCTTCGCGGAGAGCCGGAGGGCTGCATTGGCTTCAG-3'